The following is an entry in ClinVar:

NM_001387430.1(SH2B1):c.414T>A (p.Ser138=)

Gene: SH2B1 (SH2B adaptor protein 1; plus strand). Cytogenetic location: 16p11.2.
Variant type: single nucleotide variant.
Coding change: c.414T>A on transcript NM_001387430.1 (MANE Select); coding-DNA position 414, T replaced by A.
Protein change: p.Ser138=; no amino-acid change (serine 138 retained).
Molecular consequence: synonymous variant. On other transcripts: intron variant (1).
Genome position (GRCh38, 1-based): chr16:28,866,508, T>A. VCF-style: chr16-28866508-T-A. GRCh37 (hg19) VCF-style: chr16-28877829-T-A.
Other names: c.414T>A, p.Ser138= (NM_001145795.2, NM_001145796.2, NM_001145797.2 and 4 more transcripts); c.-26-866T>A (NM_001308294.2).
Identifiers: ClinVar variation 4977712 (VCV004977712.1).

ClinVar aggregate classification (germline): Likely benign (1 of 4 stars; one submission).

Conditions:
SH2B1-related disorder. Also called: SH2B1-related condition.

Submission:

PreventionGenetics, part of Exact Sciences
Classification: Likely benign for SH2B1-related condition. Last evaluated: 2025-12-12. Review status: criteria provided, single submitter. Criteria: ACMG Guidelines, 2015. Collection method: clinical testing. Allele origin: germline.
Comment: This variant is classified as likely benign based on ACMG/AMP sequence variant interpretation guidelines (Richards et al. 2015 PMID: 25741868, with internal and published modifications).